The following is an entry in ClinVar:

NM_001844.5(COL2A1):c.870+4_870+7del

Gene: COL2A1 (collagen type II alpha 1 chain; minus strand). Cytogenetic location: 12q13.11.
Variant type: Microsatellite.
Coding change: c.870+4_870+7del on transcript NM_001844.5 (MANE Select); bases 4 to 7 of the intron after coding-DNA position 870, 4 bases deleted (AGTA; older notation c.870+4_870+7delAGTA).
Molecular consequence: splice donor variant.
Genome position (GRCh38, 1-based): chr12:47,993,987-47,993,990, TACT deleted on the plus strand (AGTA on the coding strand, the reverse complement: COL2A1 is on the minus strand); deleting any 4 consecutive bases within chr12:47,993,987-47,993,994 gives the same sequence; the c. name uses the placement nearest the transcript's 3' end. VCF-style (leftmost placement, unchanged base first): chr12-47993986-ATACT-A. GRCh37 (hg19) VCF-style: chr12-48387769-ATACT-A.
Other names: c.663+4_663+7del (NM_033150.3); c.870+4_870+7delAGTA (NM_001844.4).
Identifiers: ClinVar variation 1372645 (VCV001372645.7), dbSNP rs2136610415, ClinGen allele CA2580615174.

ClinVar aggregate classification (germline): Uncertain significance. Review status: criteria provided, multiple submitters, no conflicts (2 of 4 stars). 2 submissions from 2 submitters: Uncertain significance (2). Last evaluated 2024-12-02.

Conditions:
COL2A1-related disorder. Also called: COL2A1-related condition; COL2A1-related disorders.

Submissions (2):

PreventionGenetics, part of Exact Sciences
Classification: Uncertain significance for COL2A1-related condition. Last evaluated: 2024-12-02. Review status: criteria provided, single submitter. Criteria: ACMG Guidelines, 2015. Collection method: clinical testing. Allele origin: germline.
Comment: The COL2A1 c.870+4_870+7delAGTA variant is predicted to result in an intronic deletion. This variant is predicted to impact splicing based on splicing prediction programs (SpliceAI, Jaganathan K, et al. 2019. PubMed ID: 30661751). To our knowledge, this variant has not been reported in the literature or in a large population database (gnomAD), indicating this variant is rare. Of note, other variants impacting this intronic region (c.870+5G>A and c.870+5G>T) have been reported in patients with Stickler syndrome (Hoornaert et al. 2010. PubMed ID: 20179744; Leung et al. 2006. PubMed ID: 16395149, variant referred to as IVS11+5G>T). At this time, the clinical significance of this variant is uncertain due to the absence of conclusive functional and genetic evidence.

Labcorp Genetics (formerly Invitae), Labcorp
Classification: Uncertain significance. Last evaluated: 2022-10-26. Review status: criteria provided, single submitter. Criteria: Invitae Variant Classification Sherloc (09022015). Collection method: clinical testing. Allele origin: germline.
Comment: This sequence change falls in intron 13 of the COL2A1 gene. It does not directly change the encoded amino acid sequence of the COL2A1 protein. It affects a nucleotide within the consensus splice site. This variant is not present in population databases (gnomAD no frequency). This variant has not been reported in the literature in individuals affected with COL2A1-related conditions. Variants that disrupt the consensus splice site are a relatively common cause of aberrant splicing (PMID: 17576681, 9536098). Algorithms developed to predict the effect of sequence changes on RNA splicing suggest that this variant may disrupt the consensus splice site. In summary, the available evidence is currently insufficient to determine the role of this variant in disease. Therefore, it has been classified as a Variant of Uncertain Significance.

Literature cited by the submitters: PubMed 17576681 (cited by Labcorp Genetics (formerly Invitae), Labcorp); PubMed 9536098 (cited by Labcorp Genetics (formerly Invitae), Labcorp).